The following is an entry in ClinVar:

NM_002661.5(PLCG2):c.3761G>A (p.Arg1254Lys)

Gene: PLCG2 (phospholipase C gamma 2; plus strand). Cytogenetic location: 16q23.3.
Variant type: single nucleotide variant.
Coding change: c.3761G>A on transcript NM_002661.5 (MANE Select); coding-DNA position 3761, G replaced by A.
Protein change: p.Arg1254Lys; replaces arginine 1254 with lysine.
Molecular consequence: missense variant.
Genome position (GRCh38, 1-based): chr16:81,957,961, G>A. VCF-style: chr16-81957961-G-A. GRCh37 (hg19) VCF-style: chr16-81991566-G-A.
Other names: short protein forms R1254K.
Identifiers: ClinVar variation 1469211 (VCV001469211.6), dbSNP rs2143784279, ClinGen allele CA396898807.

ClinVar aggregate classification (germline): Uncertain significance (1 of 4 stars; one submission).

Conditions:
Familial cold autoinflammatory syndrome 3 (FCAS3). Also called: FAMILIAL ATYPICAL COLD URTICARIA; ANTIBODY DEFICIENCY AND IMMUNE DYSREGULATION, PLCG2-ASSOCIATED. Identifiers: Orphanet 300359, MedGen C3280914, MONDO:0013766, OMIM 614468.

Submission:

Labcorp Genetics (formerly Invitae), Labcorp
Classification: Uncertain significance for Familial cold autoinflammatory syndrome 3. Last evaluated: 2025-06-08. Review status: criteria provided, single submitter. Criteria: Invitae Variant Classification Sherloc (09022015). Collection method: clinical testing. Allele origin: germline.
Comment: This sequence change replaces arginine, which is basic and polar, with lysine, which is basic and polar, at codon 1254 of the PLCG2 protein (p.Arg1254Lys). This variant is not present in population databases (gnomAD no frequency). This variant has not been reported in the literature in individuals affected with PLCG2-related conditions. ClinVar contains an entry for this variant (Variation ID: 1469211). An algorithm developed to predict the effect of missense changes on protein structure and function (PolyPhen-2) suggests that this variant is likely to be tolerated. In summary, the available evidence is currently insufficient to determine the role of this variant in disease. Therefore, it has been classified as a Variant of Uncertain Significance.